The following is an entry in ClinVar:

NM_005908.4(MANBA):c.2473G>A (p.Ala825Thr)

Gene: MANBA (mannosidase beta; minus strand). Cytogenetic location: 4q24.
Variant type: single nucleotide variant.
Coding change: c.2473G>A on transcript NM_005908.4 (MANE Select); coding-DNA position 2473, G replaced by A.
Protein change: p.Ala825Thr; replaces alanine 825 with threonine.
Molecular consequence: missense variant.
Genome position (GRCh38, 1-based): chr4:102,632,224, C>T on the plus strand (G>A on the coding strand, the complement: MANBA is on the minus strand). VCF-style: chr4-102632224-C-T. GRCh37 (hg19) VCF-style: chr4-103553381-C-T.
Other names: short protein forms A825T.
Identifiers: ClinVar variation 347078 (VCV000347078.7), dbSNP rs182869272, ClinGen allele CA3026605.
Genomic context (GRCh38, chr4:102,632,224, plus strand): 5'-GGAAACCATTGTCACTAAATCTCCCTGGGATGCTTCCTACATCCAACCAAACAAAGGGAG[C>T]GACAGCTGAGGTCTCCAGGTCAAAAACAAATATGTCACCTTGCTGAGAGATGATGGCCTG-3'
Protein context (NP_005899.3, residues 815-835): FVFDLETSAV[Ala825Thr]PFVWLDVGSI

ClinVar aggregate classification (germline): Uncertain significance. Review status: criteria provided, multiple submitters, no conflicts (2 of 4 stars). 2 submissions from 2 submitters: Uncertain significance (2). Last evaluated 2021-10-16.

Conditions:
Beta-D-mannosidosis (MANSB). Also called: LYSOSOMAL BETA-MANNOSIDASE DEFICIENCY; Beta-Mannosidosis; MANNOSIDOSIS, BETA A, LYSOSOMAL; BETA-MANNOSIDASE DEFICIENCY. Identifiers: Orphanet 118, MedGen C4048196, MONDO:0009562, OMIM 248510.

Allele frequency attached by ClinVar (database versions not stated): TOPMed 0.00012; 1000 Genomes Project 30x 0.00031.
gnomAD v4.1: 107 of 1,613,664 alleles (0.0066%); highest among the groups gnomAD compares: Middle Eastern, 0.017%; 1 homozygote.

Submissions (2):

Labcorp Genetics (formerly Invitae), Labcorp
Classification: Uncertain significance for Beta-D-mannosidosis. Last evaluated: 2021-10-16. Review status: criteria provided, single submitter. Criteria: Invitae Variant Classification Sherloc (09022015). Collection method: clinical testing. Allele origin: germline.
Comment: This sequence change replaces alanine, a(n) neutral and non-polar amino acid, with threonine, a(n) neutral and polar amino acid, at codon 825 of the MANBA protein (p.Ala825Thr). This variant is present in population databases (rs182869272, gnomAD 0.04%). This variant has not been reported in the literature in individuals affected with MANBA-related conditions. ClinVar contains an entry for this variant (Variation ID: 347078). Algorithms developed to predict the effect of missense changes on protein structure and function are either unavailable or do not agree on the potential impact of this missense change (SIFT: "Tolerated"; PolyPhen-2: "Possibly Damaging"; Align-GVGD: "Class C0"). In summary, the available evidence is currently insufficient to determine the role of this variant in disease. Therefore, it has been classified as a Variant of Uncertain Significance.

Illumina Laboratory Services, Illumina
Classification: Uncertain significance for Beta-D-mannosidosis. Last evaluated: 2018-01-12. Review status: criteria provided, single submitter. Criteria: ICSL Variant Classification Criteria 13 December 2019. Collection method: clinical testing. Allele origin: germline.